The following is an entry in ClinVar:

NM_001252024.2(TRPM1):c.4755T>C (p.Ile1585=)

Gene: TRPM1 (transient receptor potential cation channel subfamily M member 1; minus strand). Cytogenetic location: 15q13.3.
Variant type: single nucleotide variant.
Coding change: c.4755T>C on transcript NM_001252024.2 (MANE Select); coding-DNA position 4755, T replaced by C.
Protein change: p.Ile1585=; no amino-acid change (isoleucine 1585 retained).
Molecular consequence: synonymous variant.
Genome position (GRCh38, 1-based): chr15:31,001,945, A>G on the plus strand (T>C on the coding strand, the complement: TRPM1 is on the minus strand). VCF-style: chr15-31001945-A-G. GRCh37 (hg19) VCF-style: chr15-31294148-A-G.
Other names: c.4806T>C, p.Ile1602= (NM_001252020.2); c.4689T>C, p.Ile1563= (NM_002420.6); c.4806T>C (NM_001252020.1).
Identifiers: ClinVar variation 886264 (VCV000886264.21), dbSNP rs201668928, ClinGen allele CA7451582.

ClinVar aggregate classification (germline): Conflicting classifications of pathogenicity. Review status: criteria provided, conflicting classifications (1 of 4 stars). 5 submissions from 5 submitters: Uncertain significance (1); Likely benign (3). 1 of the submissions does not count toward it. Last evaluated 2026-01-01.

Conditions:
TRPM1-related disorder. Also called: TRPM1-related condition.
Congenital stationary night blindness 1C. Also called: Night blindness, congenital stationary (complete), 1C, autosomal recessive. Identifiers: Orphanet 215, MedGen C2750747, MONDO:0013183, OMIM 613216.

Allele frequency attached by ClinVar (database versions not stated): TOPMed 0.00006; gnomAD 0.00007 and 0.00008; gnomAD exomes 0.00010; ExAC 0.00012.
gnomAD v4.1: 112 of 1,614,034 alleles (0.0069%); highest among the groups gnomAD compares: Non-Finnish European, 0.0091%; no homozygotes.

Submissions (5):

CeGaT Center for Human Genetics Tuebingen
Classification: Likely benign. Last evaluated: 2026-01-01. Review status: criteria provided, single submitter. Criteria: CeGaT Center For Human Genetics Tuebingen Variant Classification Criteria Version 2. Collection method: clinical testing. Allele origin: germline. Affected: yes. Observed: 1 variant allele.
Comment: TRPM1: BP4, BP7

Labcorp Genetics (formerly Invitae), Labcorp
Classification: Likely benign. Last evaluated: 2025-10-25. Review status: criteria provided, single submitter. Criteria: Invitae Variant Classification Sherloc (09022015). Collection method: clinical testing. Allele origin: germline.

Blueprint Genetics
Classification: Likely benign. Last evaluated: 2024-10-09. Review status: criteria provided, single submitter. Criteria: ACMG Guidelines, 2015. Collection method: clinical testing. Allele origin: germline.

Illumina Laboratory Services, Illumina
Classification: Uncertain significance for Congenital stationary night blindness 1C. Last evaluated: 2018-01-13. Review status: criteria provided, single submitter. Criteria: ICSL Variant Classification Criteria 13 December 2019. Collection method: clinical testing. Allele origin: germline.

PreventionGenetics, part of Exact Sciences
Classification: Likely benign for TRPM1-related condition. Last evaluated: 2019-03-01. Review status: no assertion criteria provided. Collection method: clinical testing. Allele origin: germline. Not counted in ClinVar's aggregate classification.
Comment: This variant is classified as likely benign based on ACMG/AMP sequence variant interpretation guidelines (Richards et al. 2015 PMID: 25741868, with internal and published modifications).